The following is an entry in ClinVar:

ClinVar aggregate classification (germline): Uncertain significance. Review status: criteria provided, multiple submitters, no conflicts (2 of 4 stars). 2 submissions from 2 submitters: Uncertain significance (2). Last evaluated 2023-12-30.

Submissions (2):

Labcorp Genetics (formerly Invitae), Labcorp
Classification: Uncertain significance. Last evaluated: 2023-12-30. Review status: criteria provided, single submitter. Criteria: Invitae Variant Classification Sherloc (09022015). Collection method: clinical testing. Allele origin: germline.
Comment: This sequence change replaces glutamic acid, which is acidic and polar, with aspartic acid, which is acidic and polar, at codon 1269 of the CLTC protein (p.Glu1269Asp). This variant is not present in population databases (gnomAD no frequency). This variant has not been reported in the literature in individuals affected with CLTC-related conditions. Advanced modeling of protein sequence and biophysical properties (such as structural, functional, and spatial information, amino acid conservation, physicochemical variation, residue mobility, and thermodynamic stability) performed at Invitae indicates that this missense variant is not expected to disrupt CLTC protein function with a negative predictive value of 80%. In summary, the available evidence is currently insufficient to determine the role of this variant in disease. Therefore, it has been classified as a Variant of Uncertain Significance.

GeneDx
Classification: Uncertain significance. Last evaluated: 2023-12-19. Review status: criteria provided, single submitter. Criteria: GeneDx Variant Classification Process June 2021. Collection method: clinical testing. Allele origin: germline. Affected: yes.
Comment: Not observed at significant frequency in large population cohorts (gnomAD); In silico analysis supports that this missense variant has a deleterious effect on protein structure/function; Has not been previously published as pathogenic or benign to our knowledge

NM_004859.4(CLTC):c.3795A>T (p.Glu1265Asp)

Gene: CLTC (clathrin heavy chain; plus strand). Cytogenetic location: 17q23.1.
Variant type: single nucleotide variant.
Coding change: c.3795A>T on transcript NM_004859.4 (MANE Select); coding-DNA position 3795, A replaced by T.
Protein change: p.Glu1265Asp; replaces glutamic acid 1265 with aspartic acid.
Molecular consequence: missense variant.
Genome position (GRCh38, 1-based): chr17:59,682,936, A>T. VCF-style: chr17-59682936-A-T. GRCh37 (hg19) VCF-style: chr17-57760297-A-T.
Other names: c.3807A>T (NM_001288653.1); c.3807A>T, p.Glu1269Asp (NM_001288653.2); short protein forms E1265D, E1269D.
Identifiers: ClinVar variation 2874746 (VCV002874746.4), dbSNP rs2509153838, ClinGen allele CA400419049.
Genomic context (GRCh38, chr17:59,682,936, plus strand): 5'-TGAGTTCACAGAAAGGAAATGTTTATTCTAGGTCTGCTTCGCCTGTGTAGATGGGAAAGA[A>T]TTCCGTCTTGCTCAGATGTGTGGACTTCATATTGTTGTACATGCAGATGAATTAGAAGAA-3'
Protein context (NP_004850.1, residues 1255-1275): EVCFACVDGK[Glu1265Asp]FRLAQMCGLH